The following is an entry in ClinVar:

NM_014026.6(DCPS):c.240C>T (p.Ala80=)

Gene: DCPS (decapping enzyme, scavenger; plus strand). Cytogenetic location: 11q24.2.
Variant type: single nucleotide variant.
Coding change: c.240C>T on transcript NM_014026.6 (MANE Select); coding-DNA position 240, C replaced by T.
Protein change: p.Ala80=; no amino-acid change (alanine 80 retained).
Molecular consequence: synonymous variant.
Genome position (GRCh38, 1-based): chr11:126,306,608, C>T. VCF-style: chr11-126306608-C-T. GRCh37 (hg19) VCF-style: chr11-126176503-C-T.
Other names: c.261C>T, p.Ala87= (NM_001350236.2).
Identifiers: ClinVar variation 2642531 (VCV002642531.25), dbSNP rs144876585, ClinGen allele CA6354931.

ClinVar aggregate classification (germline): Likely benign. Review status: criteria provided, multiple submitters, no conflicts (2 of 4 stars). 2 submissions from 2 submitters: Likely benign (2). Last evaluated 2023-09-01.

Allele frequency attached by ClinVar (database versions not stated): TOPMed 0.00011; gnomAD 0.00012; ExAC 0.00023; ESP Exome Variant Server 0.00023.

Submissions (2):

CeGaT Center for Human Genetics Tuebingen
Classification: Likely benign. Last evaluated: 2023-09-01. Review status: criteria provided, single submitter. Criteria: CeGaT Center For Human Genetics Tuebingen Variant Classification Criteria Version 2. Collection method: clinical testing. Allele origin: germline. Affected: yes. Observed: 1 variant allele.
Comment: DCPS: BP4, BP7

Breakthrough Genomics
Classification: Likely benign. Review status: criteria provided, single submitter. Criteria: ACMG Guidelines, 2015. Collection method: not provided. Allele origin: germline. Inheritance: Autosomal recessive inheritance. Affected: yes.